The following is an entry in ClinVar:

NM_000051.4(ATM):c.5255_5256insCT (p.Tyr1753fs)

Gene: ATM (ATM serine/threonine kinase; plus strand). Cytogenetic location: 11q22.3.
Variant type: Insertion.
Coding change: c.5255_5256insCT on transcript NM_000051.4 (MANE Select); coding-DNA positions 5255 to 5256, CT inserted.
Protein change: p.Tyr1753fs; shifts the reading frame from tyrosine 1753.
Molecular consequence: frameshift variant.
Genome position: GRCh38 VCF-style: chr11-108301724-A-ATC. GRCh37 (hg19) VCF-style: chr11-108172451-A-ATC.
Other names: c.5255_5256insCT, p.Tyr1753fs (NM_001351834.2); short protein forms Y1753fs.
Identifiers: ClinVar variation 862219 (VCV000862219.7), dbSNP rs2083441908, ClinGen allele CA916080496.

ClinVar aggregate classification (germline): Pathogenic (1 of 4 stars; one submission).

Conditions:
Ataxia-telangiectasia syndrome (AT). Also called: LOUIS-BAR SYNDROME; Ataxia telangiectasia (A-T); Ataxia-telangiectasia, complementation group D; Cerebello-oculocutaneous telangiectasia; Immunodeficiency with ataxia telangiectasia; Ataxia-telangiectasia. Identifiers: Orphanet 100, MedGen C0004135, MONDO:0008840, OMIM 208900.

Submission:

Labcorp Genetics (formerly Invitae), Labcorp
Classification: Pathogenic for Ataxia-telangiectasia syndrome. Last evaluated: 2019-01-07. Review status: criteria provided, single submitter. Criteria: Invitae Variant Classification Sherloc (09022015). Collection method: clinical testing. Allele origin: germline.
Comment: For these reasons, this variant has been classified as Pathogenic. Loss-of-function variants in ATM are known to be pathogenic (PMID: 23807571, 25614872). This variant has not been reported in the literature in individuals with ATM-related conditions. This variant is not present in population databases (ExAC no frequency). This sequence change creates a premature translational stop signal (p.Tyr1753Phefs*4) in the ATM gene. It is expected to result in an absent or disrupted protein product.

Literature cited by the submitters: PubMed 23807571; PubMed 25614872.